The following is an entry in ClinVar:

NM_000169.3(GLA):c.638A>G (p.Lys213Arg)

Genes: GLA (galactosidase alpha; minus strand), RPL36A-HNRNPH2 (RPL36A-HNRNPH2 readthrough; plus strand). Cytogenetic location: Xq22.1.
Variant type: single nucleotide variant.
Coding change: c.638A>G on transcript NM_000169.3 (MANE Select); coding-DNA position 638, A replaced by G.
Protein change: p.Lys213Arg; replaces lysine 213 with arginine.
Molecular consequence: missense variant. On other transcripts: non-coding transcript variant (2), intron variant (2).
Genome position (GRCh38, 1-based): chrX:101,400,667, T>C on the plus strand (A>G on the coding strand, the complement: GLA is on the minus strand). VCF-style: chrX-101400667-T-C. GRCh37 (hg19) VCF-style: chrX-100655655-T-C.
Other names: NC_000023.10:g.100655655T>C; c.761A>G, p.Lys254Arg (NM_001406747.1); c.638A>G, p.Lys213Arg (NM_001406748.1); c.300+5210T>C (NM_001199973.2); c.177+8845T>C (NM_001199974.2); short protein forms K213R, K254R.
Identifiers: ClinVar variation 217391 (VCV000217391.4), dbSNP rs869312149, ClinGen allele CA353146.

ClinVar aggregate classification (germline): Uncertain significance. Review status: criteria provided, single submitter (1 of 4 stars). 3 submissions from 2 submitters: Uncertain significance (1). 2 of the submissions do not count toward it. Last evaluated 2026-09-08.

Conditions:
Fabry disease. Also called: ALPHA-GALACTOSIDASE A DEFICIENCY; ANDERSON-FABRY DISEASE; CERAMIDE TRIHEXOSIDASE DEFICIENCY; Fabry's disease; Angiokeratoma corporis diffusum; Ceramide trihexosidosis. Identifiers: Orphanet 324, MedGen C0002986, MONDO:0010526, OMIM 301500, HP:0001071. Disease mechanism: loss of function, Fabry disease is due to inactivating mutations in the X-linked GLA gene resulting in deficiency of the enzyme Alpha Galactosidase-A..
Migalastat response. Also called: 1-Deoxygalactonojirimycin response; Galafold response. Identifiers: MedGen CN233149.

Submissions (4):

Genomenon, Inc
Classification: Uncertain significance for Fabry disease. Last evaluated: 2026-09-08. Review status: criteria provided, single submitter. Criteria: Genomenon Sequence Variant Interpretation Standards - Updated. Collection method: curation. Allele origin: germline. Affected: yes.
Comment: GLA p.Lys213Arg (c.638A>G) is a missense variant that changes the amino acid at codon 213 from Lysine to Arginine. This variant has been observed in at least one proband with clinical features consistent with Fabry disease (PMID:28682471). Functional or patient cell studies have been reported (PMID:36499585;26415523;28682471). Splicing studies have been reported (PMID:36499585). It is absent or not present at a significant frequency in gnomAD. In silico models predict that this variant is possibly or probably damaging. In conclusion, we classify GLA p.Lys213Arg (c.638A>G) as a variant of uncertain significance.

Albrecht-Kossel-Institute, Medical University Rostock
Classification: Pathogenic for Fabry's disease. Last evaluated: 2014-01-01. Review status: no assertion criteria provided. Collection method: research. Allele origin: inherited. Not counted in ClinVar's aggregate classification.

Albrecht-Kossel-Institute, Medical University Rostock
Classification: drug response for deoxygalactonojirimycin response. Last evaluated: 2014-01-01. Review status: no assertion criteria provided. Collection method: research. Allele origin: inherited. Not counted in ClinVar's aggregate classification.

Dr. Peter K. Rogan Lab, Western University
No classification provided (evidence only). Condition: Nonpapillary renal cell carcinoma. Review status: no classification provided. Collection method: in vitro. Allele origin: not applicable. Functional consequence: retained intron. Not counted in ClinVar's aggregate classification.

Literature cited by the submitters: PubMed 28682471 (cited by Genomenon, Inc); PubMed 36499585 (cited by Genomenon, Inc); PubMed 26415523 (cited by Genomenon, Inc and Albrecht-Kossel-Institute, Medical University Rostock).